The following is an entry in ClinVar:

ClinVar aggregate classification (germline): Likely pathogenic (1 of 4 stars; one submission).

Conditions:
Meniere disease. Also called: Ménière's disease. Identifiers: MedGen C0025281, MONDO:0007972, OMIM 156000.

Allele frequency attached by ClinVar (database versions not stated): 1000 Genomes Project 30x 0.00125; 1000 Genomes Project 0.00132; TOPMed 0.00180; ESP Exome Variant Server 0.00218; gnomAD 0.00231 and 0.00238; gnomAD exomes 0.00337 and 0.00346; ExAC 0.00352.
gnomAD v4.1: 3,951 of 1,209,486 alleles (0.33%); highest among the groups gnomAD compares: Non-Finnish European, 0.33%; 12 homozygotes.

Submission:

Otology & Neurotology- Genomics of vestibular disorders (CTS-495), Jose Antonio López Escámez, Centro Pfizer - Universidad de Granada - Junta de Andalucía de Genómica e Investigación Oncológica (GENYO)
Classification: Likely pathogenic for Meniere disease. Last evaluated: 2021-06-21. Review status: criteria provided, single submitter. Criteria: ACMG Guidelines, 2015. Collection method: case-control. Allele origin: inherited. Affected: yes.
Comment: Digenic inheritance along with NM_000260.4:c.3G>A(MYO7A)

NM_001649.4(SHROOM2):c.631G>A (p.Gly211Ser)

Gene: SHROOM2 (shroom family member 2; plus strand). Cytogenetic location: Xp22.2.
Variant type: single nucleotide variant.
Coding change: c.631G>A on transcript NM_001649.4 (MANE Select); coding-DNA position 631, G replaced by A.
Protein change: p.Gly211Ser; replaces glycine 211 with serine.
Molecular consequence: missense variant.
Genome position (GRCh38, 1-based): chrX:9,894,539, G>A. VCF-style: chrX-9894539-G-A. GRCh37 (hg19) VCF-style: chrX-9862579-G-A.
Other names: short protein forms G211S.
Identifiers: ClinVar variation 1174005 (VCV001174005.1), dbSNP rs138558321, ClinGen allele CA10345244.
Genomic context (GRCh38, chrX:9,894,539, plus strand): 5'-GCCAAGTCCAACAGCAGCATCGACCACCTGGGCAGCCACAGCAAGCGCGACTCGGCCTAC[G>A]GCTCCTTCTCCACCAGCTCTAGCACTCCTGACCACACCTTGTCCAAAGCCGACACGTCCT-3'
Protein context (NP_001640.1, residues 201-221): GSHSKRDSAY[Gly211Ser]SFSTSSSTPD